The following is an entry in ClinVar:

NM_004304.5(ALK):c.2023C>T (p.Pro675Ser)

Gene: ALK (ALK receptor tyrosine kinase; minus strand). Cytogenetic location: 2p23.2.
Variant type: single nucleotide variant.
Coding change: c.2023C>T on transcript NM_004304.5 (MANE Select); coding-DNA position 2023, C replaced by T.
Protein change: p.Pro675Ser; replaces proline 675 with serine.
Molecular consequence: missense variant.
Genome position (GRCh38, 1-based): chr2:29,275,117, G>A on the plus strand (C>T on the coding strand, the complement: ALK is on the minus strand). VCF-style: chr2-29275117-G-A. GRCh37 (hg19) VCF-style: chr2-29497983-G-A.
Other names: short protein forms P675S.
Identifiers: ClinVar variation 566042 (VCV000566042.11), dbSNP rs1469128263, ClinGen allele CA346479600.
Genomic context (GRCh38, chr2:29,275,117, plus strand): 5'-ACAAGAAGTTACTGTGCTCACATTTGTGAGCTGAACCCTTACCTGTAGGGTCAAAGATGG[G>A]GGTCTGTCTTGGTGAATTTTCCCCGGGTTTCAGCTCCTTGTTTGGGTTTCTCTCAAACAG-3'
Protein context (NP_004295.2, residues 665-685): KPGENSPRQT[Pro675Ser]IFDPTVHWLF

ClinVar aggregate classification (germline): Uncertain significance. Review status: criteria provided, multiple submitters, no conflicts (2 of 4 stars). 2 submissions from 2 submitters: Uncertain significance (2). Last evaluated 2025-09-22.

Conditions:
Hereditary cancer-predisposing syndrome. Also called: Neoplastic Syndromes, Hereditary; Tumor predisposition; Hereditary Cancer Syndrome; Hereditary neoplastic syndrome. Identifiers: Orphanet 140162, MedGen C0027672, MeSH D009386, MONDO:0015356.
Neuroblastoma, susceptibility to, 3. Also called: ALK-Related Neuroblastic Tumor Susceptibility. Identifiers: Orphanet 635, MedGen C2751681, MONDO:0013083, OMIM 613014.

Allele frequency attached by ClinVar (database versions not stated): gnomAD 0.00001; TOPMed 0.00001.
gnomAD v4.1: 2 of 1,614,004 alleles (0.00012%); highest among the groups gnomAD compares: Non-Finnish European, 0.00017%; no homozygotes.

Submissions (2):

Labcorp Genetics (formerly Invitae), Labcorp
Classification: Uncertain significance for Neuroblastoma, susceptibility to, 3. Last evaluated: 2025-09-22. Review status: criteria provided, single submitter. Criteria: Invitae Variant Classification Sherloc (09022015). Collection method: clinical testing. Allele origin: germline.
Comment: This sequence change replaces proline, which is neutral and non-polar, with serine, which is neutral and polar, at codon 675 of the ALK protein (p.Pro675Ser). This variant is not present in population databases (gnomAD no frequency). This variant has not been reported in the literature in individuals affected with ALK-related conditions. ClinVar contains an entry for this variant (Variation ID: 566042). An algorithm developed to predict the effect of missense changes on protein structure and function (PolyPhen-2) suggests that this variant is likely to be tolerated. In summary, the available evidence is currently insufficient to determine the role of this variant in disease. Therefore, it has been classified as a Variant of Uncertain Significance.

Ambry Genetics
Classification: Uncertain significance for Hereditary cancer-predisposing syndrome. Last evaluated: 2025-04-03. Review status: criteria provided, single submitter. Criteria: Ambry Variant Classification Scheme 2023. Collection method: clinical testing. Allele origin: germline.
Comment: The p.P675S variant (also known as c.2023C>T), located in coding exon 11 of the ALK gene, results from a C to T substitution at nucleotide position 2023. The proline at codon 675 is replaced by serine, an amino acid with similar properties. This amino acid position is conserved. In addition, this alteration is predicted to be tolerated by in silico analysis. Since supporting evidence is limited at this time, the clinical significance of this alteration remains unclear.